The following is an entry in ClinVar:

NM_001999.4(FBN2):c.2285T>G (p.Ile762Ser)

Gene: FBN2 (fibrillin 2; minus strand). Cytogenetic location: 5q23.3.
Variant type: single nucleotide variant.
Coding change: c.2285T>G on transcript NM_001999.4 (MANE Select); coding-DNA position 2285, T replaced by G.
Protein change: p.Ile762Ser; replaces isoleucine 762 with serine.
Molecular consequence: missense variant.
Genome position (GRCh38, 1-based): chr5:128,366,394, A>C on the plus strand (T>G on the coding strand, the complement: FBN2 is on the minus strand). VCF-style: chr5-128366394-A-C. GRCh37 (hg19) VCF-style: chr5-127702087-A-C.
Other names: short protein forms I762S.
Identifiers: ClinVar variation 4854918 (VCV004854918.1).
Genomic context (GRCh38, chr5:128,366,394, plus strand): 5'-TATGTCACGTGATTATTATAAAGTTGAGATTAACTAGAGTTACCTCTTCCATCCACAGTG[A>C]TACCTACTCCACTACTACAAAGGCCGTGGAATTCAGCTGTATGACAAAAAGAAATAGAAG-3'
Protein context (NP_001990.2, residues 752-772): FHGLCSSGVG[Ile762Ser]TVDGRDINEC

ClinVar aggregate classification (germline): Uncertain significance (1 of 4 stars; one submission).

Conditions:
Congenital contractural arachnodactyly (CCA). Also called: BEALS SYNDROME; Arthrogryposis, distal, type 9; Beals-Hecht syndrome. Identifiers: Orphanet 115, MedGen C0220668, MONDO:0007363, OMIM 121050.

Submission:

3billion
Classification: Uncertain significance for Congenital contractural arachnodactyly. Last evaluated: 2025-09-02. Review status: criteria provided, single submitter. Criteria: ACMG Guidelines, 2015. Collection method: clinical testing. Allele origin: germline. Affected: yes.
Comment: The variant is not observed in the gnomAD v4.1.0 dataset. Predicted Consequence/Location: Missense variant In silico tool predictions suggest damaging effect of the variant on gene or gene product [REVEL: 0.63 (>=0.6, sensitivity 0.68 and specificity 0.92)]. Therefore, this variant is classified as VUS according to the recommendation of ACMG/AMP guideline.